The following is an entry in ClinVar:

NM_021975.4(RELA):c.1008C>T (p.Arg336=)

Gene: RELA (RELA proto-oncogene, NF-kB subunit; minus strand). Cytogenetic location: 11q13.1.
Variant type: single nucleotide variant.
Coding change: c.1008C>T on transcript NM_021975.4 (MANE Select); coding-DNA position 1008, C replaced by T.
Protein change: p.Arg336=; no amino-acid change (arginine 336 retained).
Molecular consequence: synonymous variant.
Genome position (GRCh38, 1-based): chr11:65,655,713, G>A on the plus strand (C>T on the coding strand, the complement: RELA is on the minus strand). VCF-style: chr11-65655713-G-A. GRCh37 (hg19) VCF-style: chr11-65423184-G-A.
Other names: c.999C>T, p.Arg333= (NM_001145138.2); c.1008C>T, p.Arg336= (NM_001243984.2, NM_001243985.2).
Identifiers: ClinVar variation 626006 (VCV000626006.8), dbSNP rs763729954, ClinGen allele CA6106705.

ClinVar aggregate classification (germline): Conflicting classifications of pathogenicity. Review status: criteria provided, conflicting classifications (1 of 4 stars). 2 submissions from 2 submitters: Uncertain significance (1); Likely benign (1). Last evaluated 2025-11-01.

Conditions:
Autoinflammatory disease, familial, Behcet-like-3. Also called: Mucocutaneous ulceration, chronic. Identifiers: Orphanet 596759, MedGen C4748997, MONDO:0032659, OMIM 618287.

Allele frequency attached by ClinVar (database versions not stated): gnomAD exomes below 0.00001; ExAC 0.00001.
gnomAD v4.1: 1 of 1,614,082 alleles (0.000062%); highest among the groups gnomAD compares: Admixed American, 0.0017%; no homozygotes.

Submissions (2):

Labcorp Genetics (formerly Invitae), Labcorp
Classification: Likely benign. Last evaluated: 2025-11-01. Review status: criteria provided, single submitter. Criteria: Invitae Variant Classification Sherloc (09022015). Collection method: clinical testing. Allele origin: germline.

Center for Genomics, Ann and Robert H. Lurie Children's Hospital of Chicago
Classification: Uncertain significance for Autoinflammatory disease, familial, Behcet-like-3. Last evaluated: 2021-03-30. Review status: criteria provided, single submitter. Criteria: ACMG Guidelines, 2015. Collection method: clinical testing. Allele origin: germline.
Comment: RELA NM_021975.3 exon 10 p.Arg336Arg (c.1008C>T):This variant has not been reported in the literature and is not present in large control databases. Evolutionary conservation and computational predictive tools for this variant are limited or unavailable. Of note, this variant is a silent variant and does not change the amino acid, reducing the probability that this variant is disease causing. In summary, data on this variant is insufficient for disease classification. Therefore, the clinical significance of this variant is uncertain.